The following is an entry in ClinVar:

ClinVar aggregate classification (germline): Conflicting classifications of pathogenicity. Review status: criteria provided, conflicting classifications (1 of 4 stars). 6 submissions from 6 submitters: Uncertain significance (2); Likely benign (3). 1 of the submissions does not count toward it. Last evaluated 2026-02-01.

Conditions:
SERPINH1-related disorder. Also called: SERPINH1-related condition.
Osteogenesis imperfecta type 10 (OI10). Also called: OI, TYPE X. Identifiers: Orphanet 666, MedGen C3151211, MONDO:0013459, OMIM 613848.

Allele frequency attached by ClinVar (database versions not stated): gnomAD exomes 0.00080 and 0.00161; ESP Exome Variant Server 0.00085; gnomAD 0.00088 and 0.00089; TOPMed 0.00099; ExAC 0.00129.
gnomAD v4.1: 1,389 of 1,611,980 alleles (0.086%); highest among the groups gnomAD compares: Middle Eastern, 0.033%; 11 homozygotes.

Submissions (6):

Labcorp Genetics (formerly Invitae), Labcorp
Classification: Likely benign. Last evaluated: 2026-02-01. Review status: criteria provided, single submitter. Criteria: Invitae Variant Classification Sherloc (09022015). Collection method: clinical testing. Allele origin: germline.

CeGaT Center for Human Genetics Tuebingen
Classification: Likely benign. Last evaluated: 2022-05-01. Review status: criteria provided, single submitter. Criteria: CeGaT Center For Human Genetics Tuebingen Variant Classification Criteria Version 2. Collection method: clinical testing. Allele origin: germline. Affected: yes. Observed: 1 variant allele.
Comment: SERPINH1: BS2

GeneDx
Classification: Likely benign. Last evaluated: 2020-10-27. Review status: criteria provided, single submitter. Criteria: GeneDx Variant Classification Process June 2021. Collection method: clinical testing. Allele origin: germline. Affected: yes.
Comment: This variant is associated with the following publications: (PMID: 30986427)

Illumina Laboratory Services, Illumina
Classification: Uncertain significance for Osteogenesis imperfecta type 10. Last evaluated: 2018-01-12. Review status: criteria provided, single submitter. Criteria: ICSL Variant Classification Criteria 13 December 2019. Collection method: clinical testing. Allele origin: germline.

Eurofins Ntd Llc (ga)
Classification: Uncertain significance. Last evaluated: 2016-09-15. Review status: criteria provided, single submitter. Criteria: EGL Classification Definitions 2015. Collection method: clinical testing. Allele origin: germline. Observed: 1 variant allele, 1 heterozygote.

PreventionGenetics, part of Exact Sciences
Classification: Benign for SERPINH1-related condition. Last evaluated: 2021-01-22. Review status: no assertion criteria provided. Collection method: clinical testing. Allele origin: germline. Not counted in ClinVar's aggregate classification.
Comment: This variant is classified as benign based on ACMG/AMP sequence variant interpretation guidelines (Richards et al. 2015 PMID: 25741868, with internal and published modifications).

NM_001235.5(SERPINH1):c.92G>C (p.Gly31Ala)

Gene: SERPINH1 (serpin family H member 1; plus strand). Cytogenetic location: 11q13.5.
Variant type: single nucleotide variant.
Coding change: c.92G>C on transcript NM_001235.5 (MANE Select); coding-DNA position 92, G replaced by C.
Protein change: p.Gly31Ala; replaces glycine 31 with alanine.
Molecular consequence: missense variant.
Genome position (GRCh38, 1-based): chr11:75,566,441, G>C. VCF-style: chr11-75566441-G-C. GRCh37 (hg19) VCF-style: chr11-75277486-G-C.
Other names: c.92G>C, p.Gly31Ala (NM_001207014.3); short protein forms G31A.
Identifiers: ClinVar variation 290775 (VCV000290775.52), dbSNP rs140588417, ClinGen allele CA6190719.